The following is an entry in ClinVar:

NM_001162501.2(TNRC6B):c.4204A>G (p.Met1402Val)

Gene: TNRC6B (trinucleotide repeat containing adaptor 6B; plus strand). Cytogenetic location: 22q13.1.
Variant type: single nucleotide variant.
Coding change: c.4204A>G on transcript NM_001162501.2 (MANE Select); coding-DNA position 4204, A replaced by G.
Protein change: p.Met1402Val; replaces methionine 1402 with valine.
Molecular consequence: missense variant.
Genome position (GRCh38, 1-based): chr22:40,308,595, A>G. VCF-style: chr22-40308595-A-G. GRCh37 (hg19) VCF-style: chr22-40704599-A-G.
Other names: c.1792A>G, p.Met598Val (NM_001024843.2); c.3874A>G, p.Met1292Val (NM_015088.3); short protein forms M1292V, M1402V, M598V.
Identifiers: ClinVar variation 2571673 (VCV002571673.2), dbSNP rs2071127139, ClinGen allele CA411665137.

ClinVar aggregate classification (germline): Uncertain significance (1 of 4 stars; one submission).

Allele frequency attached by ClinVar (database versions not stated): gnomAD exomes below 0.00001; gnomAD 0.00001; TOPMed 0.00001.

Submission:

GeneDx
Classification: Uncertain significance. Last evaluated: 2024-06-27. Review status: criteria provided, single submitter. Criteria: GeneDx Variant Classification Process June 2021. Collection method: clinical testing. Allele origin: germline. Affected: yes.
Comment: Not observed at significant frequency in large population cohorts (gnomAD); In silico analysis indicates that this missense variant does not alter protein structure/function; Has not been previously published as pathogenic or benign to our knowledge